The following is an entry in ClinVar:

ClinVar aggregate classification (germline): Uncertain significance (1 of 4 stars; one submission).

Conditions:
SDCCAG8-related disorder. Also called: SDCCAG8-Related Disorders; SDCCAG8-related condition.

gnomAD v4.1: 5 of 1,614,032 alleles (0.00031%); highest among the groups gnomAD compares: East Asian, 0.0045%; no homozygotes.

Submission:

PreventionGenetics, part of Exact Sciences
Classification: Uncertain significance for SDCCAG8-related condition. Last evaluated: 2025-05-15. Review status: criteria provided, single submitter. Criteria: ACMG Guidelines, 2015. Collection method: clinical testing. Allele origin: germline.
Comment: The SDCCAG8 c.1272G>T variant is predicted to result in the amino acid substitution p.Lys424Asn. To our knowledge, this variant has not been reported in the literature. This variant is reported in 0.0054% of alleles in individuals of East Asian descent in gnomAD. At this time, the clinical significance of this variant is uncertain due to the absence of conclusive functional and genetic evidence.

NM_006642.5(SDCCAG8):c.1272G>T (p.Lys424Asn)

Gene: SDCCAG8 (SHH signaling and ciliogenesis regulator SDCCAG8; plus strand). Cytogenetic location: 1q43.
Variant type: single nucleotide variant.
Coding change: c.1272G>T on transcript NM_006642.5 (MANE Select); coding-DNA position 1272, G replaced by T.
Protein change: p.Lys424Asn; replaces lysine 424 with asparagine.
Molecular consequence: missense variant.
Genome position (GRCh38, 1-based): chr1:243,341,089, G>T. VCF-style: chr1-243341089-G-T. GRCh37 (hg19) VCF-style: chr1-243504391-G-T.
Other names: c.369G>T, p.Lys123Asn (NM_001350246.2, NM_001350247.2, NM_001350251.2); c.1368G>T, p.Lys456Asn (NM_001350248.2); c.978G>T, p.Lys326Asn (NM_001350249.2); short protein forms K123N, K424N, K456N, K326N.
Identifiers: ClinVar variation 4988353 (VCV004988353.1).
Genomic context (GRCh38, chr1:243,341,089, plus strand): 5'-TCCCTTACAGATGTTGATCTTGTCTCAGAATATTGCCCAACTGGAGGCCCAGGTGGAAAA[G>T]GTTACAAAGGAAAAGATTTCAGCTATTAATCAACTGGAGGAAATTCAAAGCCAGCTGGCT-3'
Protein context (NP_006633.1, residues 414-434): NIAQLEAQVE[Lys424Asn]VTKEKISAIN